The following is an entry in ClinVar:

NM_004360.5(CDH1):c.708A>C (p.Ser236=)

Gene: CDH1 (cadherin 1; plus strand). Cytogenetic location: 16q22.1.
Variant type: single nucleotide variant.
Coding change: c.708A>C on transcript NM_004360.5 (MANE Select); coding-DNA position 708, A replaced by C.
Protein change: p.Ser236=; no amino-acid change (serine 236 retained).
Molecular consequence: synonymous variant. On other transcripts: 5 prime UTR variant (2).
Genome position (GRCh38, 1-based): chr16:68,810,217, A>C. VCF-style: chr16-68810217-A-C. GRCh37 (hg19) VCF-style: chr16-68844120-A-C.
Other names: c.708A>C (LRG_301t1); c.708A>C, p.Ser236= (NM_001317184.2); c.-908A>C (NM_001317185.2); c.-1112A>C (NM_001317186.2).
Identifiers: ClinVar variation 215838 (VCV000215838.16), dbSNP rs863224398, ClinGen allele CA338203.

ClinVar aggregate classification (germline): Benign/Likely benign. Review status: criteria provided, multiple submitters, no conflicts (2 of 4 stars). 4 submissions from 4 submitters: Benign (1); Likely benign (3). Last evaluated 2025-10-11.

Conditions:
Hereditary cancer-predisposing syndrome. Also called: Tumor predisposition; Hereditary Cancer Syndrome; Neoplastic Syndromes, Hereditary; Hereditary neoplastic syndrome. Identifiers: Orphanet 140162, MedGen C0027672, MeSH D009386, MONDO:0015356.
Hereditary diffuse gastric adenocarcinoma (HDGC). Also called: DIFFUSE GASTRIC AND LOBULAR BREAST CANCER SYNDROME. Identifiers: Orphanet 26106, MedGen C1708349, MONDO:0007648, OMIM 137215.

Submissions (4):

Labcorp Genetics (formerly Invitae), Labcorp
Classification: Likely benign for Hereditary diffuse gastric adenocarcinoma. Last evaluated: 2025-10-11. Review status: criteria provided, single submitter. Criteria: Invitae Variant Classification Sherloc (09022015). Collection method: clinical testing. Allele origin: germline.

Myriad Genetics, Inc.
Classification: Benign for Hereditary diffuse gastric adenocarcinoma. Last evaluated: 2024-09-13. Review status: criteria provided, single submitter. Criteria: Myriad Autosomal Dominant, Autosomal Recessive and X-Linked Classification Criteria (2023). Collection method: clinical testing. Allele origin: unknown.
Comment: This variant is considered benign. This variant is a silent/synonymous amino acid change and it is not expected to impact splicing.

Color Diagnostics, LLC DBA Color Health
Classification: Likely benign for Hereditary cancer-predisposing syndrome. Last evaluated: 2021-08-30. Review status: criteria provided, single submitter. Criteria: ACMG Guidelines, 2015. Collection method: clinical testing. Allele origin: germline.

Ambry Genetics
Classification: Likely benign for Hereditary cancer-predisposing syndrome. Last evaluated: 2015-10-28. Review status: criteria provided, single submitter. Criteria: Ambry Variant Classification Scheme 2023. Collection method: clinical testing. Allele origin: germline.